The following is an entry in ClinVar:

ClinVar aggregate classification (germline): Uncertain significance (1 of 4 stars; one submission).

Conditions:
Bardet-Biedl syndrome (BBS). Identifiers: Orphanet 110, MedGen C0752166, MONDO:0015229.

Submission:

Labcorp Genetics (formerly Invitae), Labcorp
Classification: Uncertain significance for Bardet-Biedl syndrome. Last evaluated: 2022-04-24. Review status: criteria provided, single submitter. Criteria: Invitae Variant Classification Sherloc (09022015). Collection method: clinical testing. Allele origin: germline.
Comment: This sequence change replaces aspartic acid, which is acidic and polar, with asparagine, which is neutral and polar, at codon 628 of the WDPCP protein (p.Asp628Asn). This variant is not present in population databases (gnomAD no frequency). This variant has not been reported in the literature in individuals affected with WDPCP-related conditions. Algorithms developed to predict the effect of missense changes on protein structure and function are either unavailable or do not agree on the potential impact of this missense change (SIFT: "Deleterious"; PolyPhen-2: "Possibly Damaging"; Align-GVGD: "Class C0"). In summary, the available evidence is currently insufficient to determine the role of this variant in disease. Therefore, it has been classified as a Variant of Uncertain Significance.

NM_015910.7(WDPCP):c.1882G>A (p.Asp628Asn)

Gene: WDPCP (WD repeat containing planar cell polarity effector; minus strand). Cytogenetic location: 2p15.
Variant type: single nucleotide variant.
Coding change: c.1882G>A on transcript NM_015910.7 (MANE Select); coding-DNA position 1882, G replaced by A.
Protein change: p.Asp628Asn; replaces aspartic acid 628 with asparagine.
Molecular consequence: missense variant. On other transcripts: non-coding transcript variant (2).
Genome position (GRCh38, 1-based): chr2:63,259,340, C>T on the plus strand (G>A on the coding strand, the complement: WDPCP is on the minus strand). VCF-style: chr2-63259340-C-T. GRCh37 (hg19) VCF-style: chr2-63486475-C-T.
Other names: c.1405G>A, p.Asp469Asn (NM_001042692.3); c.1810G>A, p.Asp604Asn (NM_001354044.2); short protein forms D469N, D604N, D628N.
Identifiers: ClinVar variation 1979158 (VCV001979158.4), dbSNP rs2466714820, ClinGen allele CA347062274.
Genomic context (GRCh38, chr2:63,259,340, plus strand): 5'-GCACTTAAAAATAGCGTTAATTCTTACCAACCCCAGAGGTTATTGATTCTGCATCAATGT[C>T]ACTAGCTCTTTTTCTTGCCACTTCAGCTAGTGCCAATTCACCTTTATCTAGTGCAAGGTA-3'
Protein context (NP_056994.3, residues 618-638): LAEVARKRAS[Asp628Asn]IDAESITSGV